The following is an entry in ClinVar:

ClinVar aggregate classification (germline): Uncertain significance. Review status: criteria provided, multiple submitters, no conflicts (2 of 4 stars). 2 submissions from 2 submitters: Uncertain significance (2). Last evaluated 2025-08-07.

Submissions (2):

Ambry Genetics
Classification: Uncertain significance. Last evaluated: 2025-08-07. Review status: criteria provided, single submitter. Criteria: Ambry Variant Classification Scheme 2023. Collection method: clinical testing. Allele origin: germline.

Labcorp Genetics (formerly Invitae), Labcorp
Classification: Uncertain significance. Last evaluated: 2023-06-03. Review status: criteria provided, single submitter. Criteria: Invitae Variant Classification Sherloc (09022015). Collection method: clinical testing. Allele origin: germline.
Comment: This variant is not present in population databases (gnomAD no frequency). In summary, the available evidence is currently insufficient to determine the role of this variant in disease. Therefore, it has been classified as a Variant of Uncertain Significance. Algorithms developed to predict the effect of missense changes on protein structure and function output the following: SIFT: "Not Available"; PolyPhen-2: "Benign"; Align-GVGD: "Not Available". The threonine amino acid residue is found in multiple mammalian species, which suggests that this missense change does not adversely affect protein function. This variant has not been reported in the literature in individuals affected with HMCN1-related conditions. This sequence change replaces serine, which is neutral and polar, with threonine, which is neutral and polar, at codon 4819 of the HMCN1 protein (p.Ser4819Thr).

NM_031935.3(HMCN1):c.14456G>C (p.Ser4819Thr)

Gene: HMCN1 (hemicentin 1; plus strand). Cytogenetic location: 1q31.1.
Variant type: single nucleotide variant.
Coding change: c.14456G>C on transcript NM_031935.3 (MANE Select); coding-DNA position 14456, G replaced by C.
Protein change: p.Ser4819Thr; replaces serine 4819 with threonine.
Molecular consequence: missense variant.
Genome position (GRCh38, 1-based): chr1:186,145,771, G>C. VCF-style: chr1-186145771-G-C. GRCh37 (hg19) VCF-style: chr1-186114903-G-C.
Other names: c.14456G>C (NM_031935.2); short protein forms S4819T.
Identifiers: ClinVar variation 3010643 (VCV003010643.4), dbSNP rs2528129098, ClinGen allele CA343917254.